The following is an entry in ClinVar:

ClinVar aggregate classification (germline): Uncertain significance. Review status: criteria provided, multiple submitters, no conflicts (2 of 4 stars). 5 submissions from 5 submitters: Uncertain significance (5). Last evaluated 2023-07-07.

Conditions:
Catecholaminergic polymorphic ventricular tachycardia 2. Also called: VENTRICULAR TACHYCARDIA, STRESS-INDUCED POLYMORPHIC 2; CASQ2-Related Catecholaminergic Polymorphic Ventricular Tachycardia. Identifiers: Orphanet 3286, MedGen C2677794, MONDO:0012762, OMIM 611938.
Catecholaminergic polymorphic ventricular tachycardia 1. Also called: VENTRICULAR TACHYCARDIA, CATECHOLAMINERGIC POLYMORPHIC, 1, WITH OR WITHOUT ATRIAL DYSFUNCTION AND/OR DILATED CARDIOMYOPATHY; VENTRICULAR TACHYCARDIA, STRESS-INDUCED POLYMORPHIC 1; RYR2-Related Catecholaminergic Polymorphic Ventricular Tachycardia. Identifiers: Orphanet 3286, MedGen C1631597, MONDO:0011484, OMIM 604772.
Cardiovascular phenotype. Identifiers: MedGen CN230736.
Catecholaminergic polymorphic ventricular tachycardia (CVPT). Also called: Catecholamine-induced polymorphic ventricular tachycardia. Identifiers: Orphanet 3286, MedGen C5574922, MONDO:0017990.

Allele frequency attached by ClinVar (database versions not stated): TOPMed below 0.00001; gnomAD 0.00001.
gnomAD v4.1: 13 of 1,613,730 alleles (0.00081%); highest among the groups gnomAD compares: Non-Finnish European, 0.0011%; no homozygotes.

Submissions (5):

Molecular Genetics, Royal Melbourne Hospital
Classification: Uncertain significance for Catecholaminergic polymorphic ventricular tachycardia. Last evaluated: 2023-07-07. Review status: criteria provided, single submitter. Criteria: ACMG Guidelines, 2015. Collection method: clinical testing. Allele origin: germline. Inheritance: Semidominant inheritance.
Comment: This sequence change in CASQ2 is predicted to replace tyrosine with cysteine at codon 28, p.(Tyr28Cys). The tyrosine residue is highly conserved (100 vertebrates, UCSC), and is not located in an annotated domain. There is a large physicochemical difference between tyrosine and cysteine. This variant is present in a single European (non-Finnish) individual in the population database gnomAD v3.1 (1/68,032 alleles). To our knowledge, this variant has not been previously reported in the relevant scientific literature. Computational evidence predicts a deleterious effect for the missense substitution (REVEL = 0.692). Based on the classification scheme RMH Modified ACMG/AMP Guidelines v1.6.1, this variant is classified as a VARIANT OF UNCERTAIN SIGNIFICANCE. Following criteria are met: PM2_Supporting, PP3.

Ambry Genetics
Classification: Uncertain significance for Cardiovascular phenotype. Last evaluated: 2023-04-13. Review status: criteria provided, single submitter. Criteria: Ambry Variant Classification Scheme 2023. Collection method: clinical testing. Allele origin: germline.
Comment: The p.Y28C variant (also known as c.83A>G), located in coding exon 1 of the CASQ2 gene, results from an A to G substitution at nucleotide position 83. The tyrosine at codon 28 is replaced by cysteine, an amino acid with highly dissimilar properties. This amino acid position is conserved. In addition, the in silico prediction for this alteration is inconclusive. Since supporting evidence is limited at this time, the clinical significance of this alteration remains unclear.

Genome-Nilou Lab
Classification: Uncertain significance for Catecholaminergic polymorphic ventricular tachycardia 2. Last evaluated: 2023-04-11. Review status: criteria provided, single submitter. Criteria: ACMG Guidelines, 2015. Collection method: clinical testing. Allele origin: germline. Affected: no.

Labcorp Genetics (formerly Invitae), Labcorp
Classification: Uncertain significance for Catecholaminergic polymorphic ventricular tachycardia 1. Last evaluated: 2022-08-15. Review status: criteria provided, single submitter. Criteria: Invitae Variant Classification Sherloc (09022015). Collection method: clinical testing. Allele origin: germline.
Comment: This sequence change replaces tyrosine, which is neutral and polar, with cysteine, which is neutral and slightly polar, at codon 28 of the CASQ2 protein (p.Tyr28Cys). This variant is not present in population databases (gnomAD no frequency). This variant has not been reported in the literature in individuals affected with CASQ2-related conditions. ClinVar contains an entry for this variant (Variation ID: 852876). Algorithms developed to predict the effect of missense changes on protein structure and function are either unavailable or do not agree on the potential impact of this missense change (SIFT: "Deleterious"; PolyPhen-2: "Probably Damaging"; Align-GVGD: "Class C0"). In summary, the available evidence is currently insufficient to determine the role of this variant in disease. Therefore, it has been classified as a Variant of Uncertain Significance.

Fulgent Genetics
Classification: Uncertain significance for Catecholaminergic polymorphic ventricular tachycardia 1; Catecholaminergic polymorphic ventricular tachycardia 2. Last evaluated: 2021-11-11. Review status: criteria provided, single submitter. Criteria: ACMG Guidelines, 2015. Collection method: clinical testing. Allele origin: unknown.

NM_001232.4(CASQ2):c.83A>G (p.Tyr28Cys)

Gene: CASQ2 (calsequestrin 2; minus strand). Cytogenetic location: 1p13.1.
Variant type: single nucleotide variant.
Coding change: c.83A>G on transcript NM_001232.4 (MANE Select); coding-DNA position 83, A replaced by G.
Protein change: p.Tyr28Cys; replaces tyrosine 28 with cysteine.
Molecular consequence: missense variant.
Genome position (GRCh38, 1-based): chr1:115,768,459, T>C on the plus strand (A>G on the coding strand, the complement: CASQ2 is on the minus strand). VCF-style: chr1-115768459-T-C. GRCh37 (hg19) VCF-style: chr1-116311080-T-C.
Other names: short protein forms Y28C.
Identifiers: ClinVar variation 852876 (VCV000852876.12), dbSNP rs1230753325, ClinGen allele CA341767299.